The following is an entry in ClinVar:

ClinVar aggregate classification (germline): Uncertain significance (1 of 4 stars; one submission).

Conditions:
Familial cancer of breast. Also called: Hereditary breast cancer; BREAST CANCER, FAMILIAL; hereditary breast carcinoma. Identifiers: Orphanet 227535, MedGen C0346153, MONDO:0016419, OMIM 114480. Disease mechanism: loss of function.

Submission:

Labcorp Genetics (formerly Invitae), Labcorp
Classification: Uncertain significance for Familial cancer of breast. Last evaluated: 2024-10-29. Review status: criteria provided, single submitter. Criteria: Invitae Variant Classification Sherloc (09022015). Collection method: clinical testing. Allele origin: germline.
Comment: This sequence change replaces leucine, which is neutral and non-polar, with valine, which is neutral and non-polar, at codon 936 of the PALB2 protein (p.Leu936Val). This variant is not present in population databases (gnomAD no frequency). This variant has not been reported in the literature in individuals affected with PALB2-related conditions. Invitae Evidence Modeling of protein sequence and biophysical properties (such as structural, functional, and spatial information, amino acid conservation, physicochemical variation, residue mobility, and thermodynamic stability) indicates that this missense variant is expected to disrupt PALB2 protein function with a positive predictive value of 80%. In summary, the available evidence is currently insufficient to determine the role of this variant in disease. Therefore, it has been classified as a Variant of Uncertain Significance.

NM_024675.4(PALB2):c.2806T>G (p.Leu936Val)

Gene: PALB2 (partner and localizer of BRCA2; minus strand). Cytogenetic location: 16p12.2.
Variant type: single nucleotide variant.
Coding change: c.2806T>G on transcript NM_024675.4 (MANE Select); coding-DNA position 2806, T replaced by G.
Protein change: p.Leu936Val; replaces leucine 936 with valine.
Molecular consequence: missense variant.
Genome position (GRCh38, 1-based): chr16:23,624,037, A>C on the plus strand (T>G on the coding strand, the complement: PALB2 is on the minus strand). VCF-style: chr16-23624037-A-C. GRCh37 (hg19) VCF-style: chr16-23635358-A-C.
Other names: c.2746T>G, p.Leu916Val (NM_001407296.1); c.2734T>G, p.Leu912Val (NM_001407297.1); c.2644T>G, p.Leu882Val (NM_001407298.1, NM_001407302.1); c.2806T>G, p.Leu936Val (NM_001407299.1, NM_001407300.1, NM_001407301.1); c.1921T>G, p.Leu641Val (NM_001407304.1, NM_001407305.1, NM_001407306.1 and 4 more transcripts); c.1759T>G, p.Leu587Val (NM_001407307.1); c.1018T>G, p.Leu340Val (NM_001407312.1, NM_001407313.1); c.340T>G, p.Leu114Val (NM_001407314.1); short protein forms L340V, L936V, L114V, L587V, L912V, L641V, L882V, L916V.
Identifiers: ClinVar variation 3702771 (VCV003702771.2).